The following is an entry in ClinVar:

ClinVar aggregate classification (germline): Uncertain significance. Review status: criteria provided, multiple submitters, no conflicts (2 of 4 stars). 2 submissions from 2 submitters: Uncertain significance (2). Last evaluated 2024-01-12.

Allele frequency attached by ClinVar (database versions not stated): TOPMed below 0.00001; gnomAD 0.00001.

Submissions (2):

Labcorp Genetics (formerly Invitae), Labcorp
Classification: Uncertain significance. Last evaluated: 2024-01-12. Review status: criteria provided, single submitter. Criteria: Invitae Variant Classification Sherloc (09022015). Collection method: clinical testing. Allele origin: germline.
Comment: This sequence change replaces isoleucine, which is neutral and non-polar, with threonine, which is neutral and polar, at codon 501 of the MTOR protein (p.Ile501Thr). This variant is not present in population databases (gnomAD no frequency). This variant has not been reported in the literature in individuals affected with MTOR-related conditions. ClinVar contains an entry for this variant (Variation ID: 2638232). Advanced modeling of protein sequence and biophysical properties (such as structural, functional, and spatial information, amino acid conservation, physicochemical variation, residue mobility, and thermodynamic stability) performed at Invitae indicates that this missense variant is not expected to disrupt MTOR protein function with a negative predictive value of 95%. In summary, the available evidence is currently insufficient to determine the role of this variant in disease. Therefore, it has been classified as a Variant of Uncertain Significance.

CeGaT Center for Human Genetics Tuebingen
Classification: Uncertain significance. Last evaluated: 2022-09-01. Review status: criteria provided, single submitter. Criteria: CeGaT Center For Human Genetics Tuebingen Variant Classification Criteria Version 2. Collection method: clinical testing. Allele origin: germline. Affected: yes. Observed: 1 variant allele.
Comment: MTOR: PP2

NM_004958.4(MTOR):c.1502T>C (p.Ile501Thr)

Gene: MTOR (mechanistic target of rapamycin kinase; minus strand). Cytogenetic location: 1p36.22.
Variant type: single nucleotide variant.
Coding change: c.1502T>C on transcript NM_004958.4 (MANE Select); coding-DNA position 1502, T replaced by C.
Protein change: p.Ile501Thr; replaces isoleucine 501 with threonine.
Molecular consequence: missense variant.
Genome position (GRCh38, 1-based): chr1:11,241,592, A>G on the plus strand (T>C on the coding strand, the complement: MTOR is on the minus strand). VCF-style: chr1-11241592-A-G. GRCh37 (hg19) VCF-style: chr1-11301649-A-G.
Other names: c.1502T>C, p.Ile501Thr (NM_001386500.1); c.254T>C, p.Ile85Thr (NM_001386501.1); short protein forms I501T, I85T.
Identifiers: ClinVar variation 2638232 (VCV002638232.27), dbSNP rs891222177, ClinGen allele CA17946721.
Genomic context (GRCh38, chr1:11,241,592, plus strand): 5'-GCTCAGGTTTCTGACACCCACCTTAGTCCCACTGCCAGCATGGGCTCCAGCAGCTCCTTG[A>G]TATCCTGCTGGATGCCTGGCCCCATTGCTCGAGCCAGCATGCTGATGCAAGTGAAGACTG-3'
Protein context (NP_004949.1, residues 491-511): RAMGPGIQQD[Ile501Thr]KELLEPMLAV